The following is an entry in ClinVar:

ClinVar aggregate classification (germline): Uncertain significance. Review status: criteria provided, multiple submitters, no conflicts (2 of 4 stars). 2 submissions from 2 submitters: Uncertain significance (2). Last evaluated 2023-12-04.

Conditions:
Hereditary cancer-predisposing syndrome. Also called: Neoplastic Syndromes, Hereditary; Tumor predisposition; Hereditary neoplastic syndrome; Hereditary Cancer Syndrome. Identifiers: Orphanet 140162, MedGen C0027672, MeSH D009386, MONDO:0015356.

Submissions (2):

Color Diagnostics, LLC DBA Color Health
Classification: Uncertain significance for Hereditary cancer-predisposing syndrome. Last evaluated: 2023-12-04. Review status: criteria provided, single submitter. Criteria: ACMG Guidelines, 2015. Collection method: clinical testing. Allele origin: germline.
Comment: This missense variant replaces threonine with alanine at codon 2200 of the APC protein. Computational prediction suggests that this variant may not impact protein structure and function (internally defined REVEL score threshold <= 0.5, PMID: 27666373). To our knowledge, functional studies have not been reported for this variant. This variant has not been reported in individuals affected with APC-related disorders in the literature. This variant has not been identified in the general population by the Genome Aggregation Database (gnomAD). The available evidence is insufficient to determine the role of this variant in disease conclusively. Therefore, this variant is classified as a Variant of Uncertain Significance.

Ambry Genetics
Classification: Uncertain significance for Hereditary cancer-predisposing syndrome. Last evaluated: 2019-08-26. Review status: criteria provided, single submitter. Criteria: Ambry Variant Classification Scheme 2023. Collection method: clinical testing. Allele origin: germline.
Comment: The p.T2200A variant (also known as c.6598A>G), located in coding exon 15 of the APC gene, results from an A to G substitution at nucleotide position 6598. The threonine at codon 2200 is replaced by alanine, an amino acid with similar properties. This amino acid position is highly conserved in available vertebrate species. In addition, in silico predictors for this gene do not accurately predict pathogenicity. Since supporting evidence is limited at this time, the clinical significance of this alteration remains unclear.

NM_000038.6(APC):c.6598A>G (p.Thr2200Ala)

Gene: APC (APC regulator of Wnt signaling pathway; plus strand). Cytogenetic location: 5q22.2.
Variant type: single nucleotide variant.
Coding change: c.6598A>G on transcript NM_000038.6 (MANE Select); coding-DNA position 6598, A replaced by G.
Protein change: p.Thr2200Ala; replaces threonine 2200 with alanine.
Molecular consequence: missense variant.
Genome position (GRCh38, 1-based): chr5:112,842,192, A>G. VCF-style: chr5-112842192-A-G. GRCh37 (hg19) VCF-style: chr5-112177889-A-G.
Other names: c.6598A>G, p.Thr2200Ala (NM_001127510.3, NM_001354895.2); c.6544A>G, p.Thr2182Ala (NM_001127511.3); c.6652A>G, p.Thr2218Ala (NM_001354896.2); c.6628A>G, p.Thr2210Ala (NM_001354897.2); c.6523A>G, p.Thr2175Ala (NM_001354898.2); c.6514A>G, p.Thr2172Ala (NM_001354899.2); c.6475A>G, p.Thr2159Ala (NM_001354900.2); c.6421A>G, p.Thr2141Ala (NM_001354901.2); and 5 more; short protein forms T2141A, T2159A, T2182A, T2200A, T2218A, T2074A, T2099A, T2109A.
Identifiers: ClinVar variation 826500 (VCV000826500.8), dbSNP rs1580672524, ClinGen allele CA16035770.